The following is an entry in ClinVar:

ClinVar aggregate classification (germline): Uncertain significance. Review status: criteria provided, multiple submitters, no conflicts (2 of 4 stars). 3 submissions from 3 submitters: Uncertain significance (3). Last evaluated 2025-04-24.

Conditions:
Dilated cardiomyopathy 1W (CMD1W). Identifiers: Orphanet 154, MedGen C1969639, MONDO:0012667, OMIM 611407.
Cardiovascular phenotype. Identifiers: MedGen CN230736.
Hypertrophic cardiomyopathy 15. Identifiers: MedGen C2750459, MONDO:0013200, OMIM 613255.

Allele frequency attached by ClinVar (database versions not stated): gnomAD 0.00001; gnomAD exomes 0.00001; TOPMed 0.00001; ExAC 0.00002.
gnomAD v4.1: 15 of 1,613,964 alleles (0.00093%); highest among the groups gnomAD compares: Admixed American, 0.0017%; no homozygotes.

Submissions (3):

Ambry Genetics
Classification: Uncertain significance for Cardiovascular phenotype. Last evaluated: 2025-04-24. Review status: criteria provided, single submitter. Criteria: Ambry Variant Classification Scheme 2023. Collection method: clinical testing. Allele origin: germline.
Comment: The p.A349V variant (also known as c.1046C>T), located in coding exon 9 of the VCL gene, results from a C to T substitution at nucleotide position 1046. The alanine at codon 349 is replaced by valine, an amino acid with similar properties. This amino acid position is well conserved in available vertebrate species. In addition, this alteration is predicted to be tolerated by in silico analysis. Since supporting evidence is limited at this time, the clinical significance of this alteration remains unclear.

Labcorp Genetics (formerly Invitae), Labcorp
Classification: Uncertain significance for Dilated cardiomyopathy 1W. Last evaluated: 2025-03-14. Review status: criteria provided, single submitter. Criteria: Invitae Variant Classification Sherloc (09022015). Collection method: clinical testing. Allele origin: germline.
Comment: This sequence change replaces alanine, which is neutral and non-polar, with valine, which is neutral and non-polar, at codon 349 of the VCL protein (p.Ala349Val). This variant is present in population databases (rs777709634, gnomAD 0.003%). This variant has not been reported in the literature in individuals affected with VCL-related conditions. ClinVar contains an entry for this variant (Variation ID: 575448). An algorithm developed to predict the effect of missense changes on protein structure and function (PolyPhen-2) suggests that this variant is likely to be disruptive. In summary, the available evidence is currently insufficient to determine the role of this variant in disease. Therefore, it has been classified as a Variant of Uncertain Significance.

Fulgent Genetics
Classification: Uncertain significance for Dilated cardiomyopathy 1W; Hypertrophic cardiomyopathy 15. Last evaluated: 2021-09-03. Review status: criteria provided, single submitter. Criteria: ACMG Guidelines, 2015. Collection method: clinical testing. Allele origin: unknown.

NM_014000.3(VCL):c.1046C>T (p.Ala349Val)

Gene: VCL (vinculin; plus strand). Cytogenetic location: 10q22.2.
Variant type: single nucleotide variant.
Coding change: c.1046C>T on transcript NM_014000.3 (MANE Select); coding-DNA position 1046, C replaced by T.
Protein change: p.Ala349Val; replaces alanine 349 with valine.
Molecular consequence: missense variant.
Genome position (GRCh38, 1-based): chr10:74,089,219, C>T. VCF-style: chr10-74089219-C-T. GRCh37 (hg19) VCF-style: chr10-75848977-C-T.
Other names: c.1046C>T, p.Ala349Val (NM_003373.4); short protein forms A349V.
Identifiers: ClinVar variation 575448 (VCV000575448.11), dbSNP rs777709634, ClinGen allele CA5562923.
Genomic context (GRCh38, chr10:74,089,219, plus strand): 5'-AGGGTGTACAATGACAGCATGTGTCTGTTTTGAGCAGAGGACAAGGATCCTCACCGGTGG[C>T]CATGCAGAAAGCTCAGCAGGTATCTCAGGGTCTGGATGTGCTCACAGCAAAAGTGGAAAA-3'
Protein context (NP_054706.1, residues 339-359): RARGQGSSPV[Ala349Val]MQKAQQVSQG